The following is an entry in ClinVar:

NM_144670.6(A2ML1):c.4183G>T (p.Glu1395Ter)

Gene: A2ML1 (alpha-2-macroglobulin like 1; plus strand). Cytogenetic location: 12p13.31.
Variant type: single nucleotide variant.
Coding change: c.4183G>T on transcript NM_144670.6 (MANE Select); coding-DNA position 4183, G replaced by T.
Protein change: p.Glu1395Ter; replaces glutamic acid 1395 with a stop codon.
Molecular consequence: nonsense.
Genome position (GRCh38, 1-based): chr12:8,869,165, G>T. VCF-style: chr12-8869165-G-T. GRCh37 (hg19) VCF-style: chr12-9021761-G-T.
Other names: c.2710G>T, p.Glu904Ter (NM_001282424.3); short protein forms E1395*, E904*.
Identifiers: ClinVar variation 1898450 (VCV001898450.5), dbSNP rs369978459, ClinGen allele CA383813106.
Genomic context (GRCh38, chr12:8,869,165, plus strand): 5'-GTATCTTTTTTTTCTCCCTCTCTTATTCAGCTTCTCCAGCAACCCCTGGTGAAGAAGGTT[G>T]AATTTGGAACTGACACACTTAACATTTACTTGGATGAGGTAGGTATTCAGGAACCAGATC-3'

ClinVar aggregate classification (germline): Uncertain significance (1 of 4 stars; one submission).

gnomAD v4.1: 8 of 1,614,066 alleles (0.0005%); highest among the groups gnomAD compares: Non-Finnish European, 0.00068%; no homozygotes.

Submission:

Labcorp Genetics (formerly Invitae), Labcorp
Classification: Uncertain significance. Last evaluated: 2024-07-31. Review status: criteria provided, single submitter. Criteria: Invitae Variant Classification Sherloc (09022015). Collection method: clinical testing. Allele origin: germline.
Comment: This sequence change creates a premature translational stop signal (p.Glu1395*) in the A2ML1 gene. It is expected to result in an absent or disrupted protein product. However, the current clinical and genetic evidence is not sufficient to establish whether loss-of-function variants in A2ML1 cause disease. This variant is present in population databases (no rsID available, gnomAD 0.002%). This variant has not been reported in the literature in individuals affected with A2ML1-related conditions. ClinVar contains an entry for this variant (Variation ID: 1898450). Algorithms developed to predict the effect of sequence changes on RNA splicing suggest that this variant may disrupt the consensus splice site. In summary, the available evidence is currently insufficient to determine the role of this variant in disease. Therefore, it has been classified as a Variant of Uncertain Significance.